The following is an entry in ClinVar:

ClinVar aggregate classification (germline): Pathogenic/Likely pathogenic. Review status: criteria provided, multiple submitters, no conflicts (2 of 4 stars). 9 submissions from 8 submitters: Pathogenic (5); Likely pathogenic (4). Last evaluated 2025-02-05.

Conditions:
USH2A-related disorder. Also called: USH2A-related condition; USH2A-related disorders. Identifiers: MedGen CN239332.
Retinal dystrophy. Also called: Inherited retinal dystrophy. Identifiers: Orphanet 71862, MedGen C0854723, MeSH D058499, MONDO:0019118, HP:0000556.
Retinitis pigmentosa 39 (RP39). Identifiers: Orphanet 791, MedGen C3151138, MONDO:0013436, OMIM 613809.
Usher syndrome type 2A. Also called: RETINAL DISEASE IN USHER SYNDROME TYPE IIA, MODIFIER OF; USHER SYNDROME, TYPE IIA. Identifiers: Orphanet 231178, Orphanet 886, MedGen C1848634, MONDO:0010169, OMIM 276901.

Allele frequency attached by ClinVar (database versions not stated): ExAC 0.00001; gnomAD exomes 0.00001 and 0.00002.
gnomAD v4.1: 5 of 1,613,832 alleles (0.00031%); highest among the groups gnomAD compares: East Asian, 0.011%; no homozygotes.

Submissions (9):

SingHealth Duke-NUS Institute of Precision Medicine
Classification: Likely pathogenic for Retinitis pigmentosa 39. Last evaluated: 2025-02-05. Review status: criteria provided, single submitter. Criteria: PRISM ACMG Classification Criteria. Collection method: clinical testing. Allele origin: germline. Affected: yes.
Comment: Variant is predicted to cause nonsense-mediated decay in a gene where LOF is a known cause of pathogenicity (PVS1). Variant is not found in gnomAD genomes and homozygous allele count in gnomAD exomes is less than 0 (PM2).

Natera, Inc.
Classification: Pathogenic for Usher syndrome type 2A. Last evaluated: 2024-05-01. Review status: criteria provided, single submitter. Criteria: Natera Variant Classification Schema (03/2026). Collection method: clinical testing. Allele origin: germline.
Comment: The c.2187C>A variant in USH2A is a nonsense variant predicted to introduce a stop codon at amino acid 729. This variant is expected to result in nonsense mediated decay, truncation, or a dysfunctional protein product. This variant is rare in the general population with a frequency below the threshold expected for the associated phenotype(s). This variant has been observed in one or more individuals affected with the associated recessive disease, as either homozygous or compound heterozygous with a second variant (PMID: 30948794). Given the available evidence, this variant is classified as Pathogenic.

Labcorp Genetics (formerly Invitae), Labcorp
Classification: Pathogenic. Last evaluated: 2024-02-29. Review status: criteria provided, single submitter. Criteria: Invitae Variant Classification Sherloc (09022015). Collection method: clinical testing. Allele origin: germline.
Comment: This sequence change creates a premature translational stop signal (p.Cys729*) in the USH2A gene. It is expected to result in an absent or disrupted protein product. Loss-of-function variants in USH2A are known to be pathogenic (PMID: 10729113, 10909849, 20507924, 25649381). This variant is present in population databases (rs757154662, gnomAD 0.03%). This premature translational stop signal has been observed in individuals with Usher syndrome (PMID: 30390381, 30948794). ClinVar contains an entry for this variant (Variation ID: 866467). For these reasons, this variant has been classified as Pathogenic.

Baylor Genetics
Classification: Pathogenic for Retinitis pigmentosa 39. Last evaluated: 2024-01-11. Review status: criteria provided, single submitter. Criteria: ACMG Guidelines, 2015. Collection method: clinical testing. Allele origin: unknown.

Genome-Nilou Lab
Classification: Likely pathogenic for Retinitis pigmentosa 39. Last evaluated: 2023-11-04. Review status: criteria provided, single submitter. Criteria: ACMG Guidelines, 2015. Collection method: clinical testing. Allele origin: germline. Affected: no.

Genome-Nilou Lab
Classification: Likely pathogenic for Usher syndrome type 2A. Last evaluated: 2023-11-04. Review status: criteria provided, single submitter. Criteria: ACMG Guidelines, 2015. Collection method: clinical testing. Allele origin: germline. Affected: no.

Dept Of Ophthalmology, Nagoya University
Classification: Pathogenic for Retinal dystrophy. Last evaluated: 2023-10-01. Review status: criteria provided, single submitter. Criteria: Submitter's publication. Collection method: research. Allele origin: germline. Affected: yes.

3billion
Classification: Pathogenic for Usher syndrome type 2A. Last evaluated: 2022-01-03. Review status: criteria provided, single submitter. Criteria: ACMG Guidelines, 2015. Collection method: clinical testing. Allele origin: germline. Affected: yes. Observed: 1 heterozygote.
Comment: Stop-gained (nonsense): predicted to result in a loss or disruption of normal protein function through nonsense-mediated decay (NMD) or protein truncation. Multiple pathogenic variants are reported downstream of the variant (PVS1_VS).The variant has been reported at least twice as pathogenic/likely pathogenic with clinical assertions and evidence for the classification (ClinVar ID: VCV000866467). It is observed at an extremely low frequency in the gnomAD v2.1.1 dataset (total allele frequency: 0.000020, PM2_M). The variant has been reported to be in trans with a pathogenic variant (NM_206933.4:c.9570+1G>A) as compound heterozygous (3billion dataset, PM3_M). Therefore, this variant is classified as pathogenic according to the recommendation of ACMG/AMP guideline.

Blueprint Genetics
Classification: Likely pathogenic for USH2A-related disorders. Last evaluated: 2017-10-22. Review status: criteria provided, single submitter. Criteria: ACMG Guidelines, 2015. Collection method: clinical testing. Allele origin: germline. Affected: yes. Observed: 2 variant alleles.

Literature cited by the submitters: PubMed 30948794 (cited by Natera, Inc. and Labcorp Genetics (formerly Invitae), Labcorp); PubMed 10729113 (cited by Labcorp Genetics (formerly Invitae), Labcorp); PubMed 10909849 (cited by Labcorp Genetics (formerly Invitae), Labcorp); PubMed 20507924 (cited by Labcorp Genetics (formerly Invitae), Labcorp); PubMed 25649381 (cited by Labcorp Genetics (formerly Invitae), Labcorp); PubMed 30390381 (cited by Labcorp Genetics (formerly Invitae), Labcorp).

NM_206933.4(USH2A):c.2187C>A (p.Cys729Ter)

Gene: USH2A (usherin; minus strand). Cytogenetic location: 1q41.
Variant type: single nucleotide variant.
Coding change: c.2187C>A on transcript NM_206933.4 (MANE Select); coding-DNA position 2187, C replaced by A.
Protein change: p.Cys729Ter; replaces cysteine 729 with a stop codon.
Molecular consequence: nonsense.
Genome position (GRCh38, 1-based): chr1:216,247,207, G>T on the plus strand (C>A on the coding strand, the complement: USH2A is on the minus strand). VCF-style: chr1-216247207-G-T. GRCh37 (hg19) VCF-style: chr1-216420549-G-T.
Other names: c.2187C>A, p.Cys729Ter (NM_007123.6); short protein forms C729*.
Identifiers: ClinVar variation 866467 (VCV000866467.15), dbSNP rs757154662, ClinGen allele CA1396268.